The following is an entry in ClinVar:

ClinVar aggregate classification (germline): Conflicting classifications of pathogenicity. Review status: criteria provided, conflicting classifications (1 of 4 stars). 2 submissions from 2 submitters: Uncertain significance (1); Likely benign (1). Last evaluated 2026-04-06.

Conditions:
Nizon-Isidor syndrome. Identifiers: MedGen C5394350, MONDO:0030030, OMIM 618872.

Submissions (2):

Centre for Medical Genetics,  Mumbai
Classification: Likely benign for Nizon-Isidor syndrome. Last evaluated: 2026-04-06. Review status: criteria provided, single submitter. Criteria: ACMG Guidelines, 2015. Collection method: provider interpretation. Allele origin: germline. Inheritance: Autosomal dominant inheritance. Affected: no. Observed: 1 variant allele, 1 heterozygote.
Comment: The variant satisfies PM2 criteria; Extremely low frequency in gnomAD population databases. The variant satisfies PP2 criteria; Missense variant in a gene with low rate of benign missense mutations and for which missense mutation is a common mechanism of a disease. However, the variant satisfies BS2 criteria.

Genomic Medicine Center of Excellence, King Faisal Specialist Hospital and Research Centre
Classification: Uncertain significance for Nizon-Isidor syndrome. Last evaluated: 2025-09-10. Review status: criteria provided, single submitter. Criteria: ACMG Guidelines, 2015. Collection method: clinical testing. Allele origin: germline.

Literature cited by the submitters: PubMed 31155615 (cited by Centre for Medical Genetics,  Mumbai).

NM_001393769.1(MED12L):c.1750T>A (p.Leu584Met)

Gene: MED12L (mediator complex subunit 12L; plus strand). Cytogenetic location: 3q25.1.
Variant type: single nucleotide variant.
Coding change: c.1750T>A on transcript NM_001393769.1 (MANE Select); coding-DNA position 1750, T replaced by A.
Protein change: p.Leu584Met; replaces leucine 584 with methionine.
Molecular consequence: missense variant.
Genome position (GRCh38, 1-based): chr3:151,188,477, T>A. VCF-style: chr3-151188477-T-A. GRCh37 (hg19) VCF-style: chr3-150906264-T-A.
Other names: c.1750T>A, p.Leu584Met (NM_053002.6); short protein forms L584M.
Identifiers: ClinVar variation 4277821 (VCV004277821.2).